The following is an entry in ClinVar:

NM_001384732.1(CPLANE1):c.9688G>T (p.Ala3230Ser)

Gene: CPLANE1 (ciliogenesis and planar polarity effector complex subunit 1; minus strand). Cytogenetic location: 5p13.2.
Variant type: single nucleotide variant.
Coding change: c.9688G>T on transcript NM_001384732.1 (MANE Select); coding-DNA position 9688, G replaced by T.
Protein change: p.Ala3230Ser; replaces alanine 3230 with serine.
Molecular consequence: missense variant.
Genome position (GRCh38, 1-based): chr5:37,107,670, C>A on the plus strand (G>T on the coding strand, the complement: CPLANE1 is on the minus strand). VCF-style: chr5-37107670-C-A. GRCh37 (hg19) VCF-style: chr5-37107772-C-A.
Other names: c.9526G>T, p.Ala3176Ser (NM_023073.4); short protein forms A3176S, A3230S.
Identifiers: ClinVar variation 470169 (VCV000470169.5), dbSNP rs1421414177, ClinGen allele CA359488442.

ClinVar aggregate classification (germline): Uncertain significance (1 of 4 stars; one submission).

Allele frequency attached by ClinVar (database versions not stated): gnomAD 0.00001; TOPMed below 0.00001.
gnomAD v4.1: 1 of 1,611,264 alleles (0.000062%); highest among the groups gnomAD compares: African/African-American, 0.0013%; no homozygotes.

Submission:

Labcorp Genetics (formerly Invitae), Labcorp
Classification: Uncertain significance. Last evaluated: 2021-08-30. Review status: criteria provided, single submitter. Criteria: Invitae Variant Classification Sherloc (09022015). Collection method: clinical testing. Allele origin: germline.
Comment: This sequence change replaces alanine with serine at codon 3176 of the CPLANE1 protein (p.Ala3176Ser). The alanine residue is highly conserved and there is a moderate physicochemical difference between alanine and serine. This variant is not present in population databases (ExAC no frequency). This variant has not been reported in the literature in individuals affected with CPLANE1-related conditions. Algorithms developed to predict the effect of missense changes on protein structure and function are either unavailable or do not agree on the potential impact of this missense change (SIFT: "Deleterious"; PolyPhen-2: "Probably Damaging"; Align-GVGD: "Class C0"). In summary, the available evidence is currently insufficient to determine the role of this variant in disease. Therefore, it has been classified as a Variant of Uncertain Significance.